The following is an entry in ClinVar:

NM_138395.4(MARS2):c.1159T>A (p.Tyr387Asn)

Gene: MARS2 (methionyl-tRNA synthetase 2, mitochondrial; plus strand). Cytogenetic location: 2q33.1.
Variant type: single nucleotide variant.
Coding change: c.1159T>A on transcript NM_138395.4 (MANE Select); coding-DNA position 1159, T replaced by A.
Protein change: p.Tyr387Asn; replaces tyrosine 387 with asparagine.
Molecular consequence: missense variant.
Genome position (GRCh38, 1-based): chr2:197,706,564, T>A. VCF-style: chr2-197706564-T-A. GRCh37 (hg19) VCF-style: chr2-198571288-T-A.
Other names: short protein forms Y387N.
Identifiers: ClinVar variation 2571951 (VCV002571951.1), dbSNP rs2468941930, ClinGen allele CA350213998.
Genomic context (GRCh38, chr2:197,706,564, plus strand): 5'-GTGGATGGCTTCCGCTACTTTCTCCTTCGGCAGGGCGTCCCCAACTGGGACTGTGACTAC[T>A]ATGATGAAAAGGTGGTTAAGTTGCTGAACTCCGAGCTGGCAGATGCCTTGGGAGGTCTCT-3'
Protein context (NP_612404.1, residues 377-397): QGVPNWDCDY[Tyr387Asn]DEKVVKLLNS

ClinVar aggregate classification (germline): Uncertain significance (1 of 4 stars; one submission).

Submission:

GeneDx
Classification: Uncertain significance. Last evaluated: 2023-01-09. Review status: criteria provided, single submitter. Criteria: GeneDx Variant Classification Process June 2021. Collection method: clinical testing. Allele origin: germline. Affected: yes.
Comment: Not observed at significant frequency in large population cohorts (gnomAD); In silico analysis supports that this missense variant does not alter protein structure/function; Has not been previously published as pathogenic or benign to our knowledge